The following is an entry in ClinVar:

GRCh37/hg19 10q11.22-11.23(chr10:48301535-51807296)x3

Genes: ERCC6 (ERCC excision repair 6, chromatin remodeling factor; minus strand), GDF10 (growth differentiation factor 10; plus strand), PGBD3 (piggyBac transposable element derived 3; minus strand), PTPN20 (protein tyrosine phosphatase non-receptor type 20; plus strand), FAM25C (family with sequence similarity 25 member C; minus strand) and 22 more. Cytogenetic location: 10q11.22-11.23.
Variant type: copy number gain.
Change: copy number 3 (three copies instead of two) of chr10:48,301,535-51,807,296 (3.51 Mb, GRCh37 coordinates, 1-based), cytogenetic band 10q11.22-11.23.
Identifiers: ClinVar variation 1180522 (VCV001180522.4).

ClinVar aggregate classification (germline): Pathogenic (1 of 4 stars; one submission).

Submission:

Illumina Laboratory Services, Illumina
Classification: Pathogenic. Last evaluated: 2019-04-30. Review status: criteria provided, single submitter. Criteria: ICSL CNVClassificationCriteria Jul2020Prior. Collection method: clinical testing. Allele origin: unknown.
Comment: This CNV is a 3.5 Mb duplication of 10q11.22-q11.23 on chromosome 10, (seq[GRCh37]dup(10)(q10q11.22-q11.23); chr10:g.48301535_51807296dup), which is inherited and constitutes a gain encompassing 48 genes. Similar CNVs have been reported in at least 12 individuals affected with a range of phenotypes with the most common being autistic spectrum disorders, intellectual disability and developmental delay, but also including dysmorphic features, speech delay, seizures and multiple congenital anomalies (Stankiewicz et al. 2012; Girirajan et al. 2013; SansoviÄ‡ et al. 2017). At least six of the reported CNVs were inherited from a normal parent suggesting variable phenotypic expressivity and incomplete penetrance. This CNV has not been reported in controls. The region has been shown to contain several large, directly orientated segmental duplications of > 98% sequence identity suggesting that non-allelic homologous recombination is the mechanism of genomic rearrangement in this region (Stankiewicz et al. 2012). Based on the evidence, this CNV is classified as pathogenic.

Literature cited by the submitters: PubMed 21948486; PubMed 23535821; PubMed 28613040.